The following is an entry in ClinVar:

ClinVar aggregate classification (germline): Uncertain significance (1 of 4 stars; one submission).

Submission:

GeneDx
Classification: Uncertain significance. Last evaluated: 2026-02-12. Review status: criteria provided, single submitter. Criteria: GeneDx Variant Classification Process June 2021. Collection method: clinical testing. Allele origin: germline.
Comment: Not observed at significant frequency in large population cohorts (gnomAD); In silico analysis supports that this missense variant has a deleterious effect on protein structure/function; Has not been previously published as pathogenic or benign to our knowledge

NM_015057.5(MYCBP2):c.9141T>G (p.Asp3047Glu)

Gene: MYCBP2 (MYC binding protein 2; minus strand). Cytogenetic location: 13q22.3.
Variant type: single nucleotide variant.
Coding change: c.9141T>G on transcript NM_015057.5 (MANE Select); coding-DNA position 9141, T replaced by G.
Protein change: p.Asp3047Glu; replaces aspartic acid 3047 with glutamic acid.
Molecular consequence: missense variant.
Genome position (GRCh38, 1-based): chr13:77,098,013, A>C on the plus strand (T>G on the coding strand, the complement: MYCBP2 is on the minus strand). VCF-style: chr13-77098013-A-C. GRCh37 (hg19) VCF-style: chr13-77672148-A-C.
Other names: short protein forms D3047E.
Identifiers: ClinVar variation 5008233 (VCV005008233.1).